The following is an entry in ClinVar:

NM_000346.4(SOX9):c.507C>G (p.His169Gln)

Gene: SOX9 (SRY-box transcription factor 9; plus strand). Cytogenetic location: 17q24.3.
Variant type: single nucleotide variant.
Coding change: c.507C>G on transcript NM_000346.4 (MANE Select); coding-DNA position 507, C replaced by G.
Protein change: p.His169Gln; replaces histidine 169 with glutamine.
Molecular consequence: missense variant.
Genome position (GRCh38, 1-based): chr17:72,122,794, C>G. VCF-style: chr17-72122794-C-G. GRCh37 (hg19) VCF-style: chr17-70118935-C-G.
Other names: short protein forms H169Q.
Identifiers: ClinVar variation 235914 (VCV000235914.56), dbSNP rs2229989, ClinGen allele CA10581490.

ClinVar aggregate classification (germline): Conflicting classifications of pathogenicity. Review status: criteria provided, conflicting classifications (1 of 4 stars). 9 submissions from 9 submitters: Pathogenic (2); Likely pathogenic (5); Uncertain significance (1). 1 of the submissions does not count toward it. Last evaluated 2025-09-24.

Conditions:
SOX9-related disorder. Also called: SOX9-related condition.
Inborn genetic diseases. Identifiers: MedGen C0950123, MeSH D030342.
Camptomelic dysplasia (CMPD). Also called: CMPD1/SRA1; Campomelic Dysplasia. Identifiers: Orphanet 140, MedGen C1861922, MONDO:0007251, OMIM 114290.

Submissions (9):

GeneDx
Classification: Likely pathogenic. Last evaluated: 2025-09-24. Review status: criteria provided, single submitter. Criteria: GeneDx Variant Classification Process June 2021. Collection method: clinical testing. Allele origin: germline.
Comment: Reported in an individual with cleft palate, campomelia, scapular hypoplasia, scoliosis, short trunk, mild bowing of long bones of lower limbs, and hypoplastic patellae; the variant was inherited from the mother with mild skeletal findings (PMID: 24038782); Not observed at significant frequency in large population cohorts (gnomAD); Published functional studies suggest a damaging effect with reduced transactivation capacity of the protein (PMID: 24038782); In silico analysis supports that this missense variant has a deleterious effect on protein structure/function; This variant is associated with the following publications: (PMID: 28965976, 19033726, 24038782, Gueye2025[Case report])

3billion
Classification: Likely pathogenic for Camptomelic dysplasia. Last evaluated: 2025-02-10. Review status: criteria provided, single submitter. Criteria: ACMG Guidelines, 2015. Collection method: clinical testing. Allele origin: germline. Affected: yes.
Comment: The variant is not observed in the gnomAD v4.1.0 dataset. Predicted Consequence/Location: Missense variant Functional studies provide moderate evidence of the variant having a damaging effect on the gene or gene product (PMID: 24038782). In silico tool predictions suggest damaging effect of the variant on gene or gene product [REVEL: 0.70 (>=0.6, sensitivity 0.68 and specificity 0.92); 3Cnet: 0.99 (>=0.6, sensitivity 0.72 and precision 0.9)]. The same nucleotide change resulting in the same amino acid change has been previously reported to be associated with SOX9-related disorder (ClinVar ID: VCV000235914 /PMID: 24038782 /3billion dataset).The variant has been observed in at least two similarly affected unrelated individuals (PMID: 24038782). A different missense change at the same codon (p.His169Pro) has been reported to be associated with SOX9-related disorder (PMID: 19033726). Therefore, this variant is classified as Likely pathogenic according to the recommendation of ACMG/AMP guideline.

Labcorp Genetics (formerly Invitae), Labcorp
Classification: Pathogenic for Camptomelic dysplasia. Last evaluated: 2024-10-17. Review status: criteria provided, single submitter. Criteria: Invitae Variant Classification Sherloc (09022015). Collection method: clinical testing. Allele origin: germline.
Comment: This sequence change replaces histidine, which is basic and polar, with glutamine, which is neutral and polar, at codon 169 of the SOX9 protein (p.His169Gln). This variant is not present in population databases (gnomAD no frequency). This missense change has been observed in individual(s) with clinical features of campomelic dysplasia (PMID: 24038782; internal data). In at least one individual the variant was observed to be de novo. ClinVar contains an entry for this variant (Variation ID: 235914). Invitae Evidence Modeling of protein sequence and biophysical properties (such as structural, functional, and spatial information, amino acid conservation, physicochemical variation, residue mobility, and thermodynamic stability) has been performed for this missense variant. However, the output from this modeling did not meet the statistical confidence thresholds required to predict the impact of this variant on SOX9 protein function. Experimental studies have shown that this missense change affects SOX9 function (PMID: 24038782). This variant disrupts the p.His169 amino acid residue in SOX9. Other variant(s) that disrupt this residue have been determined to be pathogenic (PMID: 19033726, 24038782). This suggests that this residue is clinically significant, and that variants that disrupt this residue are likely to be disease-causing. For these reasons, this variant has been classified as Pathogenic.

Revvity Omics, Revvity
Classification: Likely pathogenic for Camptomelic dysplasia. Last evaluated: 2024-02-15. Review status: criteria provided, single submitter. Criteria: ACMG Guidelines, 2015. Collection method: clinical testing. Allele origin: germline.

Blueprint Genetics
Classification: Likely pathogenic for SOX9-related disorders. Last evaluated: 2021-07-15. Review status: criteria provided, single submitter. Criteria: ACMG Guidelines, 2015. Collection method: clinical testing. Allele origin: germline. Affected: yes. Observed: 1 variant allele.

CeGaT Center for Human Genetics Tuebingen
Classification: Pathogenic. Last evaluated: 2021-02-01. Review status: criteria provided, single submitter. Criteria: CeGaT Center For Human Genetics Tuebingen Variant Classification Criteria Version 2. Collection method: clinical testing. Allele origin: germline. Affected: yes. Observed: 1 variant allele.

Ambry Genetics
Classification: Likely pathogenic for Inborn genetic diseases. Last evaluated: 2020-01-14. Review status: criteria provided, single submitter. Criteria: Ambry Variant Classification Scheme 2023. Collection method: clinical testing. Allele origin: germline.
Comment: The alteration results in an amino acid change:_x000D_ _x000D_ The c.507C>G (p.H169Q) alteration is located in coding exon 2 of the SOX9 gene. This alteration results from a C to G substitution at nucleotide position 507, causing the histidine (H) at amino acid position 169 to be replaced by a glutamine (Q). The alteration is not observed in population databases:_x000D_ _x000D_ Based on data from the Genome Aggregation Database (gnomAD), the SOX9 c.507C>G alteration was not observed, with coverage at this position. The alteration has been observed in affected individuals:_x000D_ _x000D_ This alteration was reported in a mother and son with an overlapping phenotype of mild campomelic dysplasia and small patella syndrome (Matsushita, 2013). Skeletal surveys of the proband showed narrow iliac wings, defective iscio-pubic ossification, elongated femoral necks, hypoplastic lesser trochanter, and mild bowing of the long tubular bones of the lower limbs. The mother had proportionate normal stature, small patellae, and mild recurvatum of both knees (Matsushita, 2013). The altered amino acid is conserved throughout evolution:_x000D_ _x000D_ The p.H169 amino acid is conserved in available vertebrate species. Functional analysis reveals a damaging effect of the amino acid alteration:_x000D_ _x000D_ Using a luciferase assay in COS7 cells transiently expressing the mutation, Matsushita et al. (2013) found significantly reduced transactivation activity of the mutant protein at 46% of WT activity. They propose that the mutant retains some residual transactivation capacity for SOX9-responsive regulatory regions, explaining why some patients have relatively mild disease. The alteration is predicted deleterious by in silico modeling:_x000D_ _x000D_ The p.H169Q alteration is predicted to be deleterious by in silico analysis. Based on the available evidence, this alteration is classified as likely pathogenic.

Eurofins Ntd Llc (ga)
Classification: Uncertain significance. Last evaluated: 2016-06-28. Review status: criteria provided, single submitter. Criteria: EGL Classification Definitions 2015. Collection method: clinical testing. Allele origin: germline. Observed: 1 variant allele, 1 heterozygote.

OMIM
Classification: Pathogenic for CAMPOMELIC DYSPLASIA. Last evaluated: 2016-08-03. Review status: no assertion criteria provided. Collection method: literature only. Allele origin: germline. Not counted in ClinVar's aggregate classification.

Literature cited by the submitters: PubMed 19033726 (cited by 3 submitters); PubMed 24038782 (cited by 4 submitters).